The following is an entry in ClinVar:

NM_000435.3(NOTCH3):c.773A>G (p.Tyr258Cys)

Gene: NOTCH3 (notch receptor 3; minus strand). Cytogenetic location: 19p13.12.
Variant type: single nucleotide variant.
Coding change: c.773A>G on transcript NM_000435.3 (MANE Select); coding-DNA position 773, A replaced by G.
Protein change: p.Tyr258Cys; replaces tyrosine 258 with cysteine.
Molecular consequence: missense variant.
Genome position (GRCh38, 1-based): chr19:15,191,774, T>C on the plus strand (A>G on the coding strand, the complement: NOTCH3 is on the minus strand). VCF-style: chr19-15191774-T-C. GRCh37 (hg19) VCF-style: chr19-15302585-T-C.
Other names: short protein forms Y258C.
Identifiers: ClinVar variation 447873 (VCV000447873.7), dbSNP rs947976672, ClinGen allele CA404532336.

ClinVar aggregate classification (germline): Pathogenic/Likely pathogenic. Review status: criteria provided, multiple submitters, no conflicts (2 of 4 stars). 5 submissions from 5 submitters: Pathogenic (3); Likely pathogenic (2). Last evaluated 2026-02-04.

Conditions:
NOTCH3-related disorder. Also called: NOTCH3-related condition; NOTCH3-related disorders.

Allele frequency attached by ClinVar (database versions not stated): gnomAD exomes below 0.00001.

Submissions (5):

GeneDx
Classification: Likely pathogenic. Last evaluated: 2026-02-04. Review status: criteria provided, single submitter. Criteria: GeneDx Variant Classification Process June 2021. Collection method: clinical testing. Allele origin: germline. Affected: yes.
Comment: Not observed at significant frequency in large population cohorts (gnomAD); In silico analysis supports that this missense variant has a deleterious effect on protein structure/function; This variant is associated with the following publications: (PMID: 35775048, 9388399, 32277177, 39806999, 41181281, 37873835, 37152446, 38520151, 35754959, 37970308, 32555735, 24844136)

Labcorp Genetics (formerly Invitae), Labcorp
Classification: Likely pathogenic. Last evaluated: 2025-11-05. Review status: criteria provided, single submitter. Criteria: Invitae Variant Classification Sherloc (09022015). Collection method: clinical testing. Allele origin: germline.
Comment: This sequence change replaces tyrosine, which is neutral and polar, with cysteine, which is neutral and slightly polar, at codon 258 of the NOTCH3 protein (p.Tyr258Cys). This variant is not present in population databases (gnomAD no frequency). This missense change has been observed in individuals with cerebral arteriopathy with subcortical infarcts and leukoencephalopathy (CADASIL) or clinical features of this condition (PMID: 9388399, 12821764, 28710804, 32277177, 32555735, 37152446, 38520151; internal data). This variant is also known as A851G. ClinVar contains an entry for this variant (Variation ID: 447873). Invitae Evidence Modeling of protein sequence and biophysical properties (such as structural, functional, and spatial information, amino acid conservation, physicochemical variation, residue mobility, and thermodynamic stability) indicates that this missense variant is expected to disrupt NOTCH3 protein function with a positive predictive value of 95%. In summary, the currently available evidence indicates that the variant is pathogenic, but additional data are needed to prove that conclusively. Therefore, this variant has been classified as Likely Pathogenic.

ARUP Laboratories, Molecular Genetics and Genomics, ARUP Laboratories
Classification: Pathogenic. Last evaluated: 2025-06-25. Review status: criteria provided, single submitter. Criteria: ARUP Molecular Germline Variant Investigation Process 2024. Collection method: clinical testing. Allele origin: germline.
Comment: The NOTCH3 c.773A>G; p.Tyr258Cys variant (rs947976672, ClinVar Variation ID: 447873) is reported in the literature in multiple individuals affected with CADASIL (Chen 2017, Joutel 1997, Kim 2020, Mukai 2020, Tikka 2009). This variant is absent from the Genome Aggregation Database (v2.1.1), indicating it is not a common polymorphism. Computational analyses predict that this variant is deleterious (REVEL: 0.955). Most pathogenic NOTCH3 variants occur in exons 2-24 and either create or destroy a cysteine residue within an EGF-like domain (Rutten 2014). Based on available information, this variant is considered to be pathogenic. References: Chen S et al. Clinical features and mutation spectrum in Chinese patients with CADASIL: A multicenter retrospective study. CNS Neurosci Ther. 2017 Sep;23(9):707-716. PMID: 28710804. Joutel A et al. Strong clustering and stereotyped nature of Notch3 mutations in CADASIL patients. Lancet. 1997 Nov 22;350(9090):1511-5. PMID: 9388399. Kim H et al. Clinical and imaging features of patients with cerebral autosomal dominant arteriopathy with subcortical infarcts and leukoencephalopathy and cysteine-sparing NOTCH3 mutations. PLoS One. 2020 Jun 18;15(6):e0234797. PMID: 32555735. Mukai M et al. Genotype-phenotype correlations and effect of mutation location in Japanese CADASIL patients. J Hum Genet. 2020 Aug;65(8):637-646. PMID: 32277177. Rutten JW et al. Interpretation of NOTCH3 mutations in the diagnosis of CADASIL. Expert Rev Mol Diagn. 2014 Jun;14(5):593-603. PMID: 24844136. Tikka S et al. Congruence between NOTCH3 mutations and GOM in 131 CADASIL patients. Brain. 2009 Apr;132(Pt 4):933-9. PMID: 19174371.

Athena Diagnostics
Classification: Pathogenic. Last evaluated: 2022-11-16. Review status: criteria provided, single submitter. Criteria: Athena Diagnostics Criteria. Collection method: clinical testing. Allele origin: unknown.
Comment: This variant has been identified in multiple unrelated individuals with CADASIL. This variant has not been reported in large, multi-ethnic general populations. This variant alters a critical location within the protein, and is expected to severely affect function and cause disease. Greater than 90% of NOTCH3 pathogenic variants associated with CADASIL involve the gain or loss of a cysteine residue within the epidermal growth factor (EGF)-like repeat domain (PMID: 32457593, 20301673).

PreventionGenetics, part of Exact Sciences
Classification: Pathogenic for NOTCH3-related condition. Last evaluated: 2022-11-07. Review status: criteria provided, single submitter. Criteria: ACMG Guidelines, 2015. Collection method: clinical testing. Allele origin: germline.
Comment: The NOTCH3 c.773A>G variant is predicted to result in the amino acid substitution p.Tyr258Cys. This variant has been reported in individuals with CADASIL (Joutel et al. 1997. PubMed ID: 9388399; Mukai et al. 2020. PubMed ID: 32277177; Kim et al. 2020. PubMed ID: 32555735). This variant has not been reported in a large population database, indicating this variant is rare. Most CADASIL causing variants in the NOTCH3 gene result in the gain or loss of one or more cysteine residues in the extracellular domain of the protein, as seen in this patient. This patient’s variant alters a cysteine residue and is located in the extracellular EGFr-like domain six. Pathogenic variants in EGFr domains 1-6 appear to be fully penetrant and are usually associated with the classical CADASIL phenotype. However, there is variability in disease severity. Pathogenic variants in EGFr domains 7-34 have a much higher population frequency, and can predispose to a milder small-vessel disease, possibly even displaying incomplete or at least very late onset complete penetrance (OMIM #125310; Rutten et al. 2016. PubMed ID: 27844030; Rutten et al. 2019. PubMed ID: 30032161). This variant is interpreted as pathogenic.

Literature cited by the submitters: PubMed 9388399 (cited by Labcorp Genetics (formerly Invitae), Labcorp and Athena Diagnostics); PubMed 12821764 (cited by Labcorp Genetics (formerly Invitae), Labcorp and Athena Diagnostics); PubMed 28710804 (cited by Labcorp Genetics (formerly Invitae), Labcorp and Athena Diagnostics); PubMed 32277177 (cited by Labcorp Genetics (formerly Invitae), Labcorp); PubMed 32555735 (cited by Labcorp Genetics (formerly Invitae), Labcorp and Athena Diagnostics); PubMed 37152446 (cited by Labcorp Genetics (formerly Invitae), Labcorp); PubMed 38520151 (cited by Labcorp Genetics (formerly Invitae), Labcorp); PubMed 11102981 (cited by Athena Diagnostics); PubMed 19174371 (cited by Athena Diagnostics).